The following is an entry in ClinVar:

NM_014000.3(VCL):c.1164C>T (p.Ile388=)

Gene: VCL (vinculin; plus strand). Cytogenetic location: 10q22.2.
Variant type: single nucleotide variant.
Coding change: c.1164C>T on transcript NM_014000.3 (MANE Select); coding-DNA position 1164, C replaced by T.
Protein change: p.Ile388=; no amino-acid change (isoleucine 388 retained).
Molecular consequence: synonymous variant.
Genome position (GRCh38, 1-based): chr10:74,089,337, C>T. VCF-style: chr10-74089337-C-T. GRCh37 (hg19) VCF-style: chr10-75849095-C-T.
Other names: c.1164C>T, p.Ile388= (NM_003373.4).
Identifiers: ClinVar variation 706653 (VCV000706653.17), dbSNP rs370852950, ClinGen allele CA5562930.
Genomic context (GRCh38, chr10:74,089,337, plus strand): 5'-AAATGCAGCTCGCAAGCTGGAAGCCATGACCAACTCAAAGCAGAGCATTGCAAAGAAGAT[C>T]GATGCTGCTCAGGTAGTCACAGTGATTTTCAGGAGGGGTGGGAAATATTTCATAAATATC-3'
Protein context (NP_054706.1, residues 378-398): TNSKQSIAKK[Ile388=]DAAQNWLADP

ClinVar aggregate classification (germline): Benign/Likely benign. Review status: criteria provided, multiple submitters, no conflicts (2 of 4 stars). 5 submissions from 5 submitters: Benign (2); Likely benign (3). Last evaluated 2025-12-26.

Conditions:
Dilated cardiomyopathy 1W (CMD1W). Identifiers: Orphanet 154, MedGen C1969639, MONDO:0012667, OMIM 611407.
VCL-related disorder. Also called: VCL-related condition.
Cardiovascular phenotype. Identifiers: MedGen CN230736.

Allele frequency attached by ClinVar (database versions not stated): TOPMed 0.00001; gnomAD 0.00003 and 0.00006; ESP Exome Variant Server 0.00008; gnomAD exomes 0.00016; ExAC 0.00020.
gnomAD v4.1: 162 of 1,613,800 alleles (0.01%); highest among the groups gnomAD compares: South Asian, 0.12%; no homozygotes.

Submissions (5):

Labcorp Genetics (formerly Invitae), Labcorp
Classification: Benign for Dilated cardiomyopathy 1W. Last evaluated: 2025-12-26. Review status: criteria provided, single submitter. Criteria: Invitae Variant Classification Sherloc (09022015). Collection method: clinical testing. Allele origin: germline.

PreventionGenetics, part of Exact Sciences
Classification: Likely benign for VCL-related condition. Last evaluated: 2025-08-06. Review status: criteria provided, single submitter. Criteria: ACMG Guidelines, 2015. Collection method: clinical testing. Allele origin: germline.
Comment: This variant is classified as likely benign based on ACMG/AMP sequence variant interpretation guidelines (Richards et al. 2015 PMID: 25741868, with internal and published modifications).

Blueprint Genetics
Classification: Likely benign. Last evaluated: 2024-11-08. Review status: criteria provided, single submitter. Criteria: ACMG Guidelines, 2015. Collection method: clinical testing. Allele origin: germline.

Ambry Genetics
Classification: Benign for Cardiovascular phenotype. Last evaluated: 2021-11-05. Review status: criteria provided, single submitter. Criteria: Ambry Variant Classification Scheme 2023. Collection method: clinical testing. Allele origin: germline.

GeneDx
Classification: Likely benign. Last evaluated: 2020-09-22. Review status: criteria provided, single submitter. Criteria: GeneDx Variant Classification Process June 2021. Collection method: clinical testing. Allele origin: germline. Affected: yes.